The following is an entry in ClinVar:

ClinVar aggregate classification (germline): Uncertain significance. Review status: criteria provided, multiple submitters, no conflicts (2 of 4 stars). 7 submissions from 7 submitters: Uncertain significance (7). Last evaluated 2025-10-21.

Conditions:
Cardiovascular phenotype. Identifiers: MedGen CN230736.
Hypertrophic cardiomyopathy 4. Also called: Familial hypertrophic cardiomyopathy 4. Identifiers: MedGen C1861862, MONDO:0007268, OMIM 115197.
Left ventricular noncompaction 10 (LVNC10). Identifiers: Orphanet 154, Orphanet 54260, MedGen C3715165, MONDO:0014163, OMIM 615396.
Cardiomyopathy (CMYO). Also called: Cardiomyopathies. Identifiers: Orphanet 167848, MedGen C0878544, MONDO:0004994, HP:0001638. Inheritance: Various modes of inheritance.
Hypertrophic cardiomyopathy. Also called: HYPERTROPHIC MYOCARDIOPATHY. Identifiers: Orphanet 217569, MedGen C0007194, MeSH D002312, MONDO:0005045, HP:0001639.

Allele frequency attached by ClinVar (database versions not stated): gnomAD exomes 0.00001 and 0.00002; gnomAD 0.00003; TOPMed 0.00004; ExAC 0.00006.

Submissions (7):

Labcorp Genetics (formerly Invitae), Labcorp
Classification: Uncertain significance for Hypertrophic cardiomyopathy. Last evaluated: 2025-10-21. Review status: criteria provided, single submitter. Criteria: Invitae Variant Classification Sherloc (09022015). Collection method: clinical testing. Allele origin: germline.
Comment: This sequence change replaces arginine, which is basic and polar, with tryptophan, which is neutral and slightly polar, at codon 35 of the MYBPC3 protein (p.Arg35Trp). This variant is present in population databases (rs727504249, gnomAD 0.007%). This missense change has been observed in individual(s) with clinical features of hypertrophic cardiomyopathy (PMID: 20031602, 25558701, 27532257, 29030401, 35653365). ClinVar contains an entry for this variant (Variation ID: 177638). An algorithm developed to predict the effect of missense changes on protein structure and function (PolyPhen-2) suggests that this variant is likely to be disruptive. Experimental studies have shown that this missense change affects MYBPC3 function (PMID: 21297165). In summary, the available evidence is currently insufficient to determine the role of this variant in disease. Therefore, it has been classified as a Variant of Uncertain Significance.

All of Us Research Program, National Institutes of Health
Classification: Uncertain significance for Hypertrophic cardiomyopathy. Last evaluated: 2024-04-16. Review status: criteria provided, single submitter. Criteria: ACMG Guidelines, 2015. Collection method: clinical testing. Allele origin: germline. Inheritance: Autosomal dominant inheritance. Observed: 6 variant alleles, 6 heterozygotes.
Comment: This missense variant replaces arginine with tryptophan at codon 35 of the MYBPC3 protein. Computational prediction suggests that this variant may not impact protein structure and function (internally defined REVEL score threshold <= 0.5, PMID: 27666373). Splice site prediction tools suggest that this variant may not impact RNA splicing. A functional study showed that the variant affects the interaction between the myosin binding protein C and the regulatory light chain of myosin (PMID: 21297165). This variant has been reported in 2 individuals affected with hypertrophic cardiomyopathy (PMID: 25558701, 29030401) and 1 individual who died suddenly from non-violent causes (PMID: 27930701). This variant has been identified in 6/241004 chromosomes in the general population by the Genome Aggregation Database (gnomAD). The available evidence is insufficient to determine the role of this variant in disease conclusively. Therefore, this variant is classified as a Variant of Uncertain Significance.

This study involves interpretation of variants in research participants for the purpose of population health screening. Participant phenotype was not available at the time of variant classification. Additional details can be found in publication PMID: 35346344, PMCID: PMC8962531

Color Diagnostics, LLC DBA Color Health
Classification: Uncertain significance for Cardiomyopathy. Last evaluated: 2024-02-08. Review status: criteria provided, single submitter. Criteria: ACMG Guidelines, 2015. Collection method: clinical testing. Allele origin: germline.
Comment: This missense variant replaces arginine with tryptophan at codon 35 of the MYBPC3 protein. Computational prediction tools indicate that this variant has a deleterious impact on protein structure and function. A functional study showed that this variant may affect the interaction between the myosin binding protein C and the regulatory light chain of myosin (PMID: 21297165). This variant has been reported in three individuals affected with hypertrophic cardiomyopathy (PMID: 25558701, 27532257, 29030401, 32841044) and in one individual affected with sudden death (PMID: 27930701). This variant has been identified in 6/241004 chromosomes in the general population by the Genome Aggregation Database (gnomAD). The available evidence is insufficient to determine the role of this variant in disease conclusively. Therefore, this variant is classified as a Variant of Uncertain Significance.

CeGaT Center for Human Genetics Tuebingen
Classification: Uncertain significance. Last evaluated: 2023-04-01. Review status: criteria provided, single submitter. Criteria: CeGaT Center For Human Genetics Tuebingen Variant Classification Criteria Version 2. Collection method: clinical testing. Allele origin: germline. Affected: yes. Observed: 1 variant allele.
Comment: MYBPC3: PS4:Moderate, PM2:Supporting, PS3:Supporting, BP4

Ambry Genetics
Classification: Uncertain significance for Cardiovascular phenotype. Last evaluated: 2023-01-31. Review status: criteria provided, single submitter. Criteria: Ambry Variant Classification Scheme 2023. Collection method: clinical testing. Allele origin: germline.
Comment: The p.R35W variant (also known as c.103C>T), located in coding exon 2 of the MYBPC3 gene, results from a C to T substitution at nucleotide position 103. The arginine at codon 35 is replaced by tryptophan, an amino acid with dissimilar properties. This variant has been detected in hypertrophic cardiomyopathy (HCM) cohorts and a sudden death cohort; however, clinical details were limited (Ho CY et al. Circ Cardiovasc Genet, 2009 Aug;2:314-21; Sanchez O et al. PLoS ONE, 2016 Dec;11:e0167358; Walsh R et al. Genet. Med., 2017 02;19:192-203; Christensen KD et al. Genet. Med., 2018 12;20:1544-1553; Helms AS et al. Circ Genom Precis Med, 2020 Oct;13:396-405). A different variant affecting this codon (p.R35Q c.104G>A) has been detected in HCM cohorts; however details were limited (Walsh R et al. Genet. Med., 2017 02;19:192-203). This amino acid position is not well conserved in available vertebrate species. In addition, the in silico prediction for this alteration is inconclusive. Since supporting evidence is limited at this time, the clinical significance of this alteration remains unclear.

Fulgent Genetics
Classification: Uncertain significance for Hypertrophic cardiomyopathy 4; Left ventricular noncompaction 10. Last evaluated: 2021-09-15. Review status: criteria provided, single submitter. Criteria: ACMG Guidelines, 2015. Collection method: clinical testing. Allele origin: unknown.

Laboratory for Molecular Medicine, Mass General Brigham Personalized Medicine
Classification: Uncertain significance. Last evaluated: 2019-04-04. Review status: criteria provided, single submitter. Criteria: ACMG Guidelines, 2015. Collection method: clinical testing. Allele origin: germline.
Comment: The p.Arg35Trp variant in MYBPC3 has been identified by our laboratory in 2 adults with HCM and 1 unaffected elderly adult. It has not been detected in large population studies. Computational analyses are conflicting as prediction tools suggest an impact to the protein while arginine (Arg) at position 35 is not conserved in evolution, raising the possibility that a change at this position may be tolerated. Additional information is needed to fully assess the clinical significance of the Arg35Trp variant.

Literature cited by the submitters: PubMed 20031602 (cited by Labcorp Genetics (formerly Invitae), Labcorp and Ambry Genetics); PubMed 25558701 (cited by 4 submitters); PubMed 27532257 (cited by 3 submitters); PubMed 29030401 (cited by 4 submitters); PubMed 35653365 (cited by Labcorp Genetics (formerly Invitae), Labcorp); PubMed 21297165 (cited by 4 submitters); PubMed 27930701 (cited by 3 submitters); PubMed 32841044 (cited by Color Diagnostics, LLC DBA Color Health and Ambry Genetics); PubMed 29565423 (cited by Ambry Genetics); PubMed 29686099 (cited by Ambry Genetics).

NM_000256.3(MYBPC3):c.103C>T (p.Arg35Trp)

Gene: MYBPC3 (myosin binding protein C3; minus strand). Cytogenetic location: 11p11.2.
Variant type: single nucleotide variant.
Coding change: c.103C>T on transcript NM_000256.3 (MANE Select); coding-DNA position 103, C replaced by T.
Protein change: p.Arg35Trp; replaces arginine 35 with tryptophan.
Molecular consequence: missense variant.
Genome position (GRCh38, 1-based): chr11:47,351,428, G>A on the plus strand (C>T on the coding strand, the complement: MYBPC3 is on the minus strand). VCF-style: chr11-47351428-G-A. GRCh37 (hg19) VCF-style: chr11-47372979-G-A.
Other names: short protein forms R35W.
Identifiers: ClinVar variation 177638 (VCV000177638.47), dbSNP rs727504249, ClinGen allele CA009726.